The following is an entry in ClinVar:

NM_000548.5(TSC2):c.482-9C>A

Gene: TSC2 (TSC complex subunit 2; plus strand). Cytogenetic location: 16p13.3.
Variant type: single nucleotide variant.
Coding change: c.482-9C>A on transcript NM_000548.5 (MANE Select); 9 bases into the intron before coding-DNA position 482, C replaced by A.
Molecular consequence: intron variant.
Genome position (GRCh38, 1-based): chr16:2,055,393, C>A. VCF-style: chr16-2055393-C-A. GRCh37 (hg19) VCF-style: chr16-2105394-C-A.
Other names: c.482-9C>A (NM_001370404.1, NM_001077183.3, NM_001406671.1 and 8 more transcripts); c.-831-9C>A (NM_001406694.1, NM_001406695.1); c.-938-9C>A (NM_001406696.1); c.37-26C>A (NM_001406681.1); c.371-9C>A (NM_001406670.1, NM_001318827.2, NM_001406678.1); c.-1-803C>A (NM_001406682.1, NM_001406684.1, NM_001406685.1 and 3 more transcripts); c.425-9C>A (NM_001406677.1); c.335-9C>A (NM_001406675.1, NM_001406676.1, NM_001318829.2 and 1 more transcripts); and 6 more.
Identifiers: ClinVar variation 2847708 (VCV002847708.3), dbSNP rs1060504096, ClinGen allele CA2739269893.

ClinVar aggregate classification (germline): Uncertain significance (1 of 4 stars; one submission).

Conditions:
Tuberous sclerosis 2 (TSC2). Identifiers: Orphanet 805, MedGen C1860707, MONDO:0013199, OMIM 613254.

Submission:

Labcorp Genetics (formerly Invitae), Labcorp
Classification: Uncertain significance for Tuberous sclerosis 2. Last evaluated: 2023-03-20. Review status: criteria provided, single submitter. Criteria: Invitae Variant Classification Sherloc (09022015). Collection method: clinical testing. Allele origin: germline.
Comment: In summary, the available evidence is currently insufficient to determine the role of this variant in disease. Therefore, it has been classified as a Variant of Uncertain Significance. This sequence change falls in intron 5 of the TSC2 gene. It does not directly change the encoded amino acid sequence of the TSC2 protein. This variant is not present in population databases (gnomAD no frequency). This variant has not been reported in the literature in individuals affected with TSC2-related conditions. Algorithms developed to predict the effect of sequence changes on RNA splicing suggest that this variant may disrupt the consensus splice site.